The following is an entry in ClinVar:

NM_001355436.2(SPTB):c.26A>C (p.Asn9Thr)

Gene: SPTB (spectrin beta, erythrocytic; minus strand). Cytogenetic location: 14q23.3.
Variant type: single nucleotide variant.
Coding change: c.26A>C on transcript NM_001355436.2 (MANE Select); coding-DNA position 26, A replaced by C.
Protein change: p.Asn9Thr; replaces asparagine 9 with threonine.
Molecular consequence: missense variant.
Genome position (GRCh38, 1-based): chr14:64,823,069, T>G on the plus strand (A>C on the coding strand, the complement: SPTB is on the minus strand). VCF-style: chr14-64823069-T-G. GRCh37 (hg19) VCF-style: chr14-65289787-T-G.
Other names: NM_000347.5:c.26A>C; p.Asn9Thr; c.26A>C, p.Asn9Thr (NM_001024858.4, NM_001355437.2); short protein forms N9T.
Identifiers: ClinVar variation 313785 (VCV000313785.45), dbSNP rs138437526, ClinGen allele CA7231564.

ClinVar aggregate classification (germline): Conflicting classifications of pathogenicity. Review status: criteria provided, conflicting classifications (1 of 4 stars). 7 submissions from 7 submitters: Uncertain significance (4); Benign (1); Likely benign (2). Last evaluated 2025-12-15.

Conditions:
Elliptocytosis 3 (EL3). Identifiers: MedGen C1866810, MONDO:0054780, OMIM 617948.

Allele frequency attached by ClinVar (database versions not stated): ESP Exome Variant Server 0.00031; TOPMed 0.00033; gnomAD 0.00034 and 0.00052; gnomAD exomes 0.00074 and 0.00117; ExAC 0.00118; 1000 Genomes Project 30x 0.00156; 1000 Genomes Project 0.00200.
gnomAD v4.1: 1,184 of 1,614,148 alleles (0.073%); highest among the groups gnomAD compares: Middle Eastern, 0.8%; 4 homozygotes.

Submissions (7):

Labcorp Genetics (formerly Invitae), Labcorp
Classification: Benign. Last evaluated: 2025-12-15. Review status: criteria provided, single submitter. Criteria: Invitae Variant Classification Sherloc (09022015). Collection method: clinical testing. Allele origin: germline.

Mayo Clinic Laboratories, Mayo Clinic
Classification: Uncertain significance. Last evaluated: 2025-11-14. Review status: criteria provided, single submitter. Criteria: ACMG Guidelines, 2015. Collection method: clinical testing. Allele origin: germline. Observed: 6 variant alleles.
Comment: BP4_moderate

ARUP Laboratories, Molecular Genetics and Genomics, ARUP Laboratories
Classification: Likely benign. Last evaluated: 2025-06-30. Review status: criteria provided, single submitter. Criteria: ARUP Molecular Germline Variant Investigation Process 2024. Collection method: clinical testing. Allele origin: germline.

Blueprint Genetics
Classification: Uncertain significance. Last evaluated: 2024-11-21. Review status: criteria provided, single submitter. Criteria: ACMG Guidelines, 2015. Collection method: clinical testing. Allele origin: germline.

CeGaT Center for Human Genetics Tuebingen
Classification: Likely benign. Last evaluated: 2023-07-01. Review status: criteria provided, single submitter. Criteria: CeGaT Center For Human Genetics Tuebingen Variant Classification Criteria Version 2. Collection method: clinical testing. Allele origin: germline. Affected: yes. Observed: 1 variant allele.
Comment: SPTB: BP4

GeneDx
Classification: Uncertain significance. Last evaluated: 2020-01-03. Review status: criteria provided, single submitter. Criteria: GeneDx Variant Classification Process June 2021. Collection method: clinical testing. Allele origin: germline. Affected: yes.
Comment: In silico analysis, which includes protein predictors and evolutionary conservation, supports that this variant does not alter protein structure/function; Observed in an individual with congenital dyserythropoietic anemia with a second SPTB missense variant on the opposite allele (in trans) (Russo et al., 2018); This variant is associated with the following publications: (PMID: 29396846)

Baylor Genetics
Classification: Uncertain significance for Elliptocytosis 3. Last evaluated: 2019-09-05. Review status: criteria provided, single submitter. Criteria: ACMG Guidelines, 2015. Collection method: clinical testing. Allele origin: unknown. Affected: yes.
Comment: This variant was determined to be of uncertain significance according to ACMG Guidelines, 2015 [PMID:25741868].

Literature cited by the submitters: PubMed 29396846 (cited by Mayo Clinic Laboratories, Mayo Clinic); PubMed 35845192 (cited by Mayo Clinic Laboratories, Mayo Clinic); PubMed 39760301 (cited by Mayo Clinic Laboratories, Mayo Clinic).